The following is an entry in ClinVar:

ClinVar aggregate classification (germline): Benign. Review status: criteria provided, multiple submitters, no conflicts (2 of 4 stars). 4 submissions from 4 submitters: Benign (4). Last evaluated 2026-02-03.

Allele frequency attached by ClinVar (database versions not stated): gnomAD exomes 0.01253; ExAC 0.01598; 1000 Genomes Project 0.05252; TOPMed 0.05387; 1000 Genomes Project 30x 0.05668; ESP Exome Variant Server 0.05966.
gnomAD v4.1: 14,759 of 1,614,082 alleles (0.91%); highest among the groups gnomAD compares: African/African-American, 17%; 1,108 homozygotes.

Submissions (4):

Labcorp Genetics (formerly Invitae), Labcorp
Classification: Benign. Last evaluated: 2026-02-03. Review status: criteria provided, single submitter. Criteria: Invitae Variant Classification Sherloc (09022015). Collection method: clinical testing. Allele origin: germline.

Mayo Clinic Laboratories, Mayo Clinic
Classification: Benign. Last evaluated: 2022-02-18. Review status: criteria provided, single submitter. Criteria: ACMG Guidelines, 2015. Collection method: clinical testing. Allele origin: germline. Observed: 32 variant alleles.

GeneDx
Classification: Benign. Last evaluated: 2014-01-04. Review status: criteria provided, single submitter. Criteria: GeneDx Variant Classification (06012015). Collection method: clinical testing. Allele origin: germline. Affected: yes.
Comment: This variant is considered likely benign or benign based on one or more of the following criteria: it is a conservative change, it occurs at a poorly conserved position in the protein, it is predicted to be benign by multiple in silico algorithms, and/or has population frequency not consistent with disease.

Breakthrough Genomics
Classification: Benign. Review status: criteria provided, single submitter. Criteria: ACMG Guidelines, 2015. Collection method: not provided. Allele origin: germline. Inheritance: Unknown mechanism. Affected: yes.

NM_018006.5(TRMU):c.83-19T>C

Gene: TRMU (tRNA mitochondrial 2-thiouridylase; plus strand). Cytogenetic location: 22q13.31.
Variant type: single nucleotide variant.
Coding change: c.83-19T>C on transcript NM_018006.5 (MANE Select); 19 bases into the intron before coding-DNA position 83, T replaced by C.
Molecular consequence: intron variant.
Genome position (GRCh38, 1-based): chr22:46,337,760, T>C. VCF-style: chr22-46337760-T-C. GRCh37 (hg19) VCF-style: chr22-46733657-T-C.
Other names: p.?; c.83-19T>C (NM_001282785.2); c.-153-19T>C (NM_001282782.2); c.-172-19T>C (NM_001282783.2, NM_001282784.2).
Identifiers: ClinVar variation 137718 (VCV000137718.11), dbSNP rs7290233, ClinGen allele CA291387.
Genomic context (GRCh38, chr22:46,337,760, plus strand): 5'-TTCTCAGAGCTCAGAAATCACTGCCGTTTTACCGAAGGTTGATTTATGTATTCTCTTTAA[T>C]TGACCTTCCCGCCCGCAGGTTACCAGGTGACAGGGGTGTTTATGAAGAACTGGGACTCAC-3'